The following is an entry in ClinVar:

NM_014946.4(SPAST):c.1489C>T (p.Leu497Phe)

Gene: SPAST (spastin; plus strand). Cytogenetic location: 2p22.3.
Variant type: single nucleotide variant.
Coding change: c.1489C>T on transcript NM_014946.4 (MANE Select); coding-DNA position 1489, C replaced by T.
Protein change: p.Leu497Phe; replaces leucine 497 with phenylalanine.
Molecular consequence: missense variant.
Genome position (GRCh38, 1-based): chr2:32,137,184, C>T. VCF-style: chr2-32137184-C-T. GRCh37 (hg19) VCF-style: chr2-32362253-C-T.
Other names: c.1486C>T, p.Leu496Phe (NM_001363823.2); c.1390C>T, p.Leu464Phe (NM_001363875.2); c.1393C>T, p.Leu465Phe (NM_001377959.1, NM_199436.2); short protein forms L464F, L465F, L496F, L497F.
Identifiers: ClinVar variation 3602340 (VCV003602340.1).

ClinVar aggregate classification (germline): Uncertain significance (1 of 4 stars; one submission).

Submission:

GeneDx
Classification: Uncertain significance. Last evaluated: 2024-07-28. Review status: criteria provided, single submitter. Criteria: GeneDx Variant Classification Process June 2021. Collection method: clinical testing. Allele origin: germline. Affected: yes.
Comment: Not observed at significant frequency in large population cohorts (gnomAD); In silico analysis supports that this missense variant has a deleterious effect on protein structure/function; Has not been previously published as pathogenic or benign to our knowledge; This variant is associated with the following publications: (PMID: 21139634, 26094131)